The following is an entry in ClinVar:

ClinVar aggregate classification (germline): Likely benign. Review status: criteria provided, multiple submitters, no conflicts (2 of 4 stars). 2 submissions from 2 submitters: Likely benign (2). Last evaluated 2026-01-04.

Conditions:
FG syndrome (FGS). Identifiers: MedGen C0220769, MONDO:0002010.

gnomAD v4.1: 1 of 1,209,556 alleles (0.000083%); highest among the groups gnomAD compares: African/African-American, 0.0017%; no homozygotes.

Submissions (2):

Labcorp Genetics (formerly Invitae), Labcorp
Classification: Likely benign for FG syndrome. Last evaluated: 2026-01-04. Review status: criteria provided, single submitter. Criteria: Invitae Variant Classification Sherloc (09022015). Collection method: clinical testing. Allele origin: germline.

CeGaT Center for Human Genetics Tuebingen
Classification: Likely benign. Last evaluated: 2026-01-01. Review status: criteria provided, single submitter. Criteria: CeGaT Center For Human Genetics Tuebingen Variant Classification Criteria Version 2. Collection method: clinical testing. Allele origin: germline. Affected: yes. Observed: 1 variant allele.
Comment: MED12: BP4, BP7

NM_005120.3(MED12):c.6192G>A (p.Gln2064=)

Gene: MED12 (mediator complex subunit 12; plus strand). Cytogenetic location: Xq13.1.
Variant type: single nucleotide variant.
Coding change: c.6192G>A on transcript NM_005120.3 (MANE Select); coding-DNA position 6192, G replaced by A.
Protein change: p.Gln2064=; no amino-acid change (glutamine 2064 retained).
Molecular consequence: synonymous variant.
Genome position (GRCh38, 1-based): chrX:71,140,782, G>A. VCF-style: chrX-71140782-G-A. GRCh37 (hg19) VCF-style: chrX-70360632-G-A.
Identifiers: ClinVar variation 4736930 (VCV004736930.5).
Genomic context (GRCh38, chrX:71,140,782, plus strand): 5'-AACAGCCATCCTACCTGAGCAGCAGCAGCAGCAGCAACAGCAGCAACAGCAACAGCAGCA[G>A]CAGCAGCAACAGCAACAGCAGCAGCAGCAGCAGCAGTACCACATCCGGCAGCAGCAGCAG-3'
Protein context (NP_005111.2, residues 2054-2074): QQQQQQQQQQ[Gln2064=]QQQQQQQQQQ